The following is an entry in ClinVar:

ClinVar aggregate classification (germline): Pathogenic (1 of 4 stars; one submission).

Conditions:
Blepharophimosis, ptosis, and epicanthus inversus syndrome. Identifiers: Orphanet 126, MedGen C0220663, MONDO:0007201, OMIM 110100.

Submission:

Genomic Diagnostic Laboratory, Division of Genomic Diagnostics, Children's Hospital of Philadelphia
Classification: Pathogenic for Blepharophimosis, ptosis, and epicanthus inversus syndrome. Last evaluated: 2016-11-03. Review status: criteria provided, single submitter. Criteria: DGD Variant Analysis Guidelines. Collection method: clinical testing. Allele origin: germline. Affected: yes. Observed: 1 variant allele.
Comment: Clinical Testing

NM_023067.4(FOXL2):c.1011del (p.Thr338fs)

Gene: FOXL2 (forkhead box L2; minus strand). Cytogenetic location: 3q22.3.
Variant type: Deletion.
Coding change: c.1011del on transcript NM_023067.4 (MANE Select); coding-DNA position 1011, one base deleted (C; older notation c.1011delC).
Protein change: p.Thr338fs; shifts the reading frame from threonine 338.
Molecular consequence: frameshift variant.
Genome position (GRCh38, 1-based): chr3:138,945,712, G deleted on the plus strand (C on the coding strand, the reverse complement: FOXL2 is on the minus strand); the first of 3 consecutive G bases (chr3:138,945,712-138,945,714); deleting any one gives the same sequence. VCF-style (leftmost placement, unchanged base first): chr3-138945711-TG-T. GRCh37 (hg19) VCF-style: chr3-138664553-TG-T.
Other names: short protein forms T338fs.
Identifiers: ClinVar variation 369938 (VCV000369938.1), dbSNP rs1057516185, ClinGen allele CA10654856.